The following is an entry in ClinVar:

NM_020631.6(PLEKHG5):c.73C>T (p.Arg25Trp)

Gene: PLEKHG5 (pleckstrin homology and RhoGEF domain containing G5; minus strand). Cytogenetic location: 1p36.31.
Variant type: single nucleotide variant.
Coding change: c.73C>T on transcript NM_020631.6 (MANE Select); coding-DNA position 73, C replaced by T.
Protein change: p.Arg25Trp; replaces arginine 25 with tryptophan.
Molecular consequence: missense variant.
Genome position (GRCh38, 1-based): chr1:6,476,007, G>A on the plus strand (C>T on the coding strand, the complement: PLEKHG5 is on the minus strand). VCF-style: chr1-6476007-G-A. GRCh37 (hg19) VCF-style: chr1-6536067-G-A.
Other names: p.Arg102Trp; c.73C>T, p.Arg25Trp (NM_001042664.2, NM_001042665.2, NM_001265594.3 and 1 more transcripts); c.184C>T, p.Arg62Trp (NM_001265592.2, NM_001042663.3); c.280C>T, p.Arg94Trp (NM_001265593.2); c.304C>T (NM_198681.3); short protein forms R25W, R94W, R62W.
Identifiers: ClinVar variation 196499 (VCV000196499.58), dbSNP rs377503203, ClinGen allele CA243469.

ClinVar aggregate classification (germline): Uncertain significance. Review status: criteria provided, multiple submitters, no conflicts (2 of 4 stars). 6 submissions from 6 submitters: Uncertain significance (6). Last evaluated 2025-04-23.

Conditions:
Charcot-Marie-Tooth disease recessive intermediate C. Also called: CHARCOT-MARIE-TOOTH NEUROPATHY, RECESSIVE INTERMEDIATE C. Identifiers: Orphanet 369867, MedGen C3809309, MONDO:0014154, OMIM 615376.
Neuronopathy, distal hereditary motor, autosomal recessive 4. Also called: Autosomal recessive lower motor neuron disease with childhood onset; NEUROPATHY, DISTAL HEREDITARY MOTOR, AUTOSOMAL RECESSIVE 4. Identifiers: Orphanet 206580, MedGen C1970211, MONDO:0012608, OMIM 611067.

Allele frequency attached by ClinVar (database versions not stated): gnomAD 0.00003; ExAC 0.00004; gnomAD exomes 0.00005; TOPMed 0.00006; ESP Exome Variant Server 0.00008; 1000 Genomes Project 30x 0.00016; 1000 Genomes Project 0.00020.
gnomAD v4.1: 249 of 1,613,590 alleles (0.015%); highest among the groups gnomAD compares: Non-Finnish European, 0.02%; no homozygotes.

Submissions (6):

GeneDx
Classification: Uncertain significance. Last evaluated: 2025-04-23. Review status: criteria provided, single submitter. Criteria: GeneDx Variant Classification Process June 2021. Collection method: clinical testing. Allele origin: germline. Affected: yes.
Comment: Not observed at significant frequency in large population cohorts (gnomAD); In silico analysis supports that this missense variant has a deleterious effect on protein structure/function; Has not been previously published as pathogenic or benign to our knowledge

Blueprint Genetics
Classification: Uncertain significance. Last evaluated: 2024-03-26. Review status: criteria provided, single submitter. Criteria: ACMG Guidelines, 2015. Collection method: clinical testing. Allele origin: germline.

Labcorp Genetics (formerly Invitae), Labcorp
Classification: Uncertain significance for Neuronopathy, distal hereditary motor, autosomal recessive 4; Charcot-Marie-Tooth disease recessive intermediate C. Last evaluated: 2022-08-10. Review status: criteria provided, single submitter. Criteria: Invitae Variant Classification Sherloc (09022015). Collection method: clinical testing. Allele origin: germline.
Comment: This sequence change replaces arginine, which is basic and polar, with tryptophan, which is neutral and slightly polar, at codon 25 of the PLEKHG5 protein (p.Arg25Trp). This variant is present in population databases (rs377503203, gnomAD 0.008%). This variant has not been reported in the literature in individuals affected with PLEKHG5-related conditions. ClinVar contains an entry for this variant (Variation ID: 196499). Algorithms developed to predict the effect of missense changes on protein structure and function are either unavailable or do not agree on the potential impact of this missense change (SIFT: "Deleterious"; PolyPhen-2: "Probably Damaging"; Align-GVGD: "Class C0"). In summary, the available evidence is currently insufficient to determine the role of this variant in disease. Therefore, it has been classified as a Variant of Uncertain Significance.

Mayo Clinic Laboratories, Mayo Clinic
Classification: Uncertain significance. Last evaluated: 2022-08-04. Review status: criteria provided, single submitter. Criteria: ACMG Guidelines, 2015. Collection method: clinical testing. Allele origin: germline. Observed: 1 variant allele.
Comment: PM2

CeGaT Center for Human Genetics Tuebingen
Classification: Uncertain significance. Last evaluated: 2018-01-01. Review status: criteria provided, single submitter. Criteria: CeGaT Center For Human Genetics Tuebingen Variant Classification Criteria Version 2. Collection method: clinical testing. Allele origin: germline. Affected: yes. Observed: 1 variant allele.

Eurofins Ntd Llc (ga)
Classification: Uncertain significance. Last evaluated: 2015-03-13. Review status: criteria provided, single submitter. Criteria: EGL Classification Definitions 2015. Collection method: clinical testing. Allele origin: germline. Observed: 1 variant allele, 1 heterozygote.